The following is an entry in ClinVar:

NM_000156.6(GAMT):c.391+5G>A

Gene: GAMT (guanidinoacetate N-methyltransferase; minus strand). Cytogenetic location: 19p13.3.
Variant type: single nucleotide variant.
Coding change: c.391+5G>A on transcript NM_000156.6 (MANE Select); 5 bases into the intron after coding-DNA position 391, G replaced by A.
Molecular consequence: intron variant.
Genome position (GRCh38, 1-based): chr19:1,399,519, C>T on the plus strand (G>A on the coding strand, the complement: GAMT is on the minus strand). VCF-style: chr19-1399519-C-T. GRCh37 (hg19) VCF-style: chr19-1399518-C-T.
Other names: c.391+5G>A (NM_138924.3).
Identifiers: ClinVar variation 1303299 (VCV001303299.2), dbSNP rs2144637402, ClinGen allele CA2573054733.
Genomic context (GRCh38, chr19:1,399,519, plus strand): 5'-AGCAAAGGAGGGGCTGCATTGGAGCTGGGGAGGCCCACCCTGTGATACGTCCCCTCACCC[C>T]TCACCATCAAAGTGACCGTCAGGCAGGGTGGGTGCCACATCCTCCCACAGGCCTTTCAAG-3'

ClinVar aggregate classification (germline): Uncertain significance (1 of 4 stars; one submission).

Submission:

GeneDx
Classification: Uncertain significance. Last evaluated: 2020-10-16. Review status: criteria provided, single submitter. Criteria: GeneDx Variant Classification Process June 2021. Collection method: clinical testing. Allele origin: germline. Affected: yes.
Comment: Not observed in large population cohorts (Lek et al., 2016); Has not been previously published as pathogenic or benign to our knowledge; In-silico analysis, which includes splice predictors and evolutionary conservation, is inconclusive as to whether the variant alters gene splicing. In the absence of RNA/functional studies, the actual effect of this sequence change is unknown.